The following is an entry in ClinVar:

ClinVar aggregate classification (germline): Likely benign. Review status: criteria provided, multiple submitters, no conflicts (2 of 4 stars). 3 submissions from 3 submitters: Likely benign (2). 1 of the submissions does not count toward it. Last evaluated 2025-02-22.

Conditions:
Bardet-Biedl syndrome (BBS). Identifiers: Orphanet 110, MedGen C0752166, MONDO:0015229.
BBS12-related disorder. Also called: BBS12-related condition.

Allele frequency attached by ClinVar (database versions not stated): TOPMed 0.00001; gnomAD 0.00003; ExAC 0.00005; gnomAD exomes 0.00005.
gnomAD v4.1: 54 of 1,614,108 alleles (0.0033%); highest among the groups gnomAD compares: Middle Eastern, 0.016%; no homozygotes.

Submissions (3):

Labcorp Genetics (formerly Invitae), Labcorp
Classification: Likely benign for Bardet-Biedl syndrome. Last evaluated: 2025-02-22. Review status: criteria provided, single submitter. Criteria: Invitae Variant Classification Sherloc (09022015). Collection method: clinical testing. Allele origin: germline.

Blueprint Genetics
Classification: Likely benign. Last evaluated: 2024-02-23. Review status: criteria provided, single submitter. Criteria: ACMG Guidelines, 2015. Collection method: clinical testing. Allele origin: germline.

PreventionGenetics, part of Exact Sciences
Classification: Likely benign for BBS12-related condition. Last evaluated: 2024-01-20. Review status: no assertion criteria provided. Collection method: clinical testing. Allele origin: germline. Not counted in ClinVar's aggregate classification.
Comment: This variant is classified as likely benign based on ACMG/AMP sequence variant interpretation guidelines (Richards et al. 2015 PMID: 25741868, with internal and published modifications).

NM_152618.3(BBS12):c.1197C>T (p.His399=)

Gene: BBS12 (Bardet-Biedl syndrome 12; plus strand). Cytogenetic location: 4q27.
Variant type: single nucleotide variant.
Coding change: c.1197C>T on transcript NM_152618.3 (MANE Select); coding-DNA position 1197, C replaced by T.
Protein change: p.His399=; no amino-acid change (histidine 399 retained).
Molecular consequence: synonymous variant.
Genome position (GRCh38, 1-based): chr4:122,743,089, C>T. VCF-style: chr4-122743089-C-T. GRCh37 (hg19) VCF-style: chr4-123664244-C-T.
Other names: c.1197C>T, p.His399= (NM_001178007.2).
Identifiers: ClinVar variation 703278 (VCV000703278.14), dbSNP rs764483162, ClinGen allele CA3069396.
Genomic context (GRCh38, chr4:122,743,089, plus strand): 5'-AACAGTATTAGATAGCATGCGGCTTCAAGAAGACAGCTCAGAAGAACTGTGGGCAAATCA[C>T]GTGTTACAGGTGTTAATCCAGTTCAAGGTGAACCTTGTCCTGGTACAAGGAAATGTGTCC-3'
Protein context (NP_689831.2, residues 389-409): EDSSEELWAN[His399=]VLQVLIQFKV